The following is an entry in ClinVar:

ClinVar aggregate classification (germline): Conflicting classifications of pathogenicity. Review status: criteria provided, conflicting classifications (1 of 4 stars). 3 submissions from 3 submitters: Uncertain significance (2); Likely benign (1). Last evaluated 2025-06-12.

Conditions:
Exudative vitreoretinopathy 1 (EVR1). Also called: CRISWICK-SCHEPENS SYNDROME; FEVR, AUTOSOMAL DOMINANT; Familial exudative vitreoretinopathy, autosomal dominant. Identifiers: Orphanet 891, Orphanet 90050, MedGen C1851402, MONDO:0007589, OMIM 133780.
FZD4-related disorder. Also called: FZD4-related condition.

Allele frequency attached by ClinVar (database versions not stated): gnomAD exomes below 0.00001.
gnomAD v4.1: 6 of 1,614,198 alleles (0.00037%); highest among the groups gnomAD compares: Middle Eastern, 0.033%; no homozygotes.

Submissions (3):

PreventionGenetics, part of Exact Sciences
Classification: Uncertain significance for FZD4-related condition. Last evaluated: 2025-06-12. Review status: criteria provided, single submitter. Criteria: ACMG Guidelines, 2015. Collection method: clinical testing. Allele origin: germline.
Comment: The FZD4 c.1477A>G variant is predicted to result in the amino acid substitution p.Met493Val. To our knowledge, this variant has not been reported in the literature or in a large population database (gnomAD), indicating this variant is rare. At this time, the clinical significance of this variant is uncertain due to the absence of conclusive functional and genetic evidence.

Labcorp Genetics (formerly Invitae), Labcorp
Classification: Uncertain significance. Last evaluated: 2024-04-25. Review status: criteria provided, single submitter. Criteria: Invitae Variant Classification Sherloc (09022015). Collection method: clinical testing. Allele origin: germline.
Comment: This sequence change replaces methionine, which is neutral and non-polar, with valine, which is neutral and non-polar, at codon 493 of the FZD4 protein (p.Met493Val). This variant is not present in population databases (gnomAD no frequency). This variant has not been reported in the literature in individuals affected with FZD4-related conditions. ClinVar contains an entry for this variant (Variation ID: 931892). Advanced modeling of protein sequence and biophysical properties (such as structural, functional, and spatial information, amino acid conservation, physicochemical variation, residue mobility, and thermodynamic stability) performed at Invitae indicates that this missense variant is not expected to disrupt FZD4 protein function with a negative predictive value of 80%. In summary, the available evidence is currently insufficient to determine the role of this variant in disease. Therefore, it has been classified as a Variant of Uncertain Significance.

Centre for Mendelian Genomics, University Medical Centre Ljubljana
Classification: Likely benign for Exudative vitreoretinopathy 1. Last evaluated: 2018-10-15. Review status: criteria provided, single submitter. Criteria: ACMG Guidelines, 2015. Collection method: clinical testing. Allele origin: unknown. Affected: yes.
Comment: This variant was classified as: Likely benign. The following ACMG criteria were applied in classifying this variant: PM2,BP4,BP5.

NM_012193.4(FZD4):c.1477A>G (p.Met493Val)

Genes: FZD4 (frizzled class receptor 4; minus strand), PRSS23 (serine protease 23; plus strand). Cytogenetic location: 11q14.2.
Variant type: single nucleotide variant.
Coding change: c.1477A>G on transcript NM_012193.4 (MANE Select); coding-DNA position 1477, A replaced by G.
Protein change: p.Met493Val; replaces methionine 493 with valine.
Molecular consequence: missense variant. On other transcripts: non-coding transcript variant (2).
Genome position (GRCh38, 1-based): chr11:86,951,279, T>C on the plus strand (A>G on the coding strand, the complement: FZD4 is on the minus strand). VCF-style: chr11-86951279-T-C. GRCh37 (hg19) VCF-style: chr11-86662321-T-C.
Other names: short protein forms M493V.
Identifiers: ClinVar variation 931892 (VCV000931892.9), dbSNP rs1050752347, ClinGen allele CA225380412.